The following is an entry in ClinVar:

ClinVar aggregate classification (germline): Uncertain significance (1 of 4 stars; one submission).

Conditions:
Tay-Sachs disease (TSD). Also called: GM2 gangliosidosis, type 1; Hexosaminidase alpha-subunit deficiency (variant B); Sphingolipidosis, Tay-Sachs; Hexosaminidase A Deficiency; HEXA DEFICIENCY; HEXA Disorders. Identifiers: Orphanet 845, MedGen C0039373, MONDO:0010100, OMIM 272800.

Allele frequency attached by ClinVar (database versions not stated): TOPMed below 0.00001.

Submission:

Labcorp Genetics (formerly Invitae), Labcorp
Classification: Uncertain significance for Tay-Sachs disease. Last evaluated: 2018-04-12. Review status: criteria provided, single submitter. Criteria: Invitae Variant Classification Sherloc (09022015). Collection method: clinical testing. Allele origin: germline.
Comment: This sequence change falls in intron 1 of the HEXA gene. It does not directly change the encoded amino acid sequence of the HEXA protein, but it affects a nucleotide within the consensus splice site of the intron. This variant is not present in population databases (ExAC no frequency). This variant has not been reported in the literature in individuals with HEXA-related disease. Nucleotide substitutions within the consensus splice site are a relatively common cause of aberrant splicing (PMID: 17576681, 9536098). Algorithms developed to predict the effect of sequence changes on RNA splicing suggest that this variant may disrupt the consensus splice site, but this prediction has not been confirmed by published transcriptional studies. In summary, the available evidence is currently insufficient to determine the role of this variant in disease. Therefore, it has been classified as a Variant of Uncertain Significance.

Literature cited by the submitters: PubMed 17576681; PubMed 9536098.

NM_000520.6(HEXA):c.253+5G>A

Gene: HEXA (hexosaminidase subunit alpha; minus strand). Cytogenetic location: 15q23.
Variant type: single nucleotide variant.
Coding change: c.253+5G>A on transcript NM_000520.6 (MANE Select); 5 bases into the intron after coding-DNA position 253, G replaced by A.
Molecular consequence: intron variant.
Genome position (GRCh38, 1-based): chr15:72,375,715, C>T on the plus strand (G>A on the coding strand, the complement: HEXA is on the minus strand). VCF-style: chr15-72375715-C-T. GRCh37 (hg19) VCF-style: chr15-72668056-C-T.
Other names: c.253+5G>A (NM_001318825.2).
Identifiers: ClinVar variation 2169057 (VCV002169057.1), dbSNP rs781345077, ClinGen allele CA2186760950.